The following is an entry in ClinVar:

ClinVar aggregate classification (germline): Uncertain significance (1 of 4 stars; one submission).

Conditions:
BBIP1-related disorder. Also called: BBIP1-related condition.

Submission:

PreventionGenetics, part of Exact Sciences
Classification: Uncertain significance for BBIP1-related condition. Last evaluated: 2026-09-10. Review status: criteria provided, single submitter. Criteria: ACMG Guidelines, 2015. Collection method: clinical testing. Allele origin: germline.
Comment: The BBIP1 c.60delC variant is predicted to result in a frameshift and premature protein termination (p.Ser21Glnfs*6). To our knowledge, this variant has not been reported in the literature or in a large population database (gnomAD), indicating this variant is rare. Although we suspect that this variant may be pathogenic, at this time, the clinical significance of this variant is uncertain due to the absence of conclusive functional and genetic evidence.

NM_001195305.3(BBIP1):c.60del (p.Ser21fs)

Gene: BBIP1 (BBSome interacting protein 1; minus strand). Cytogenetic location: 10q25.2.
Variant type: Deletion.
Coding change: c.60del on transcript NM_001195305.3 (MANE Select); coding-DNA position 60, one base deleted (C; older notation c.60delC).
Protein change: p.Ser21fs; shifts the reading frame from serine 21.
Molecular consequence: frameshift variant. On other transcripts: 5 prime UTR variant (1), intron variant (1).
Genome position (GRCh38, 1-based): chr10:110,901,590, G deleted on the plus strand (C on the coding strand, the reverse complement: BBIP1 is on the minus strand). VCF-style (leftmost placement, unchanged base first): chr10-110901589-AG-A. GRCh37 (hg19) VCF-style: chr10-112661347-AG-A.
Other names: c.217del, p.Leu73fs (NM_001195304.2); c.60del, p.Ser21fs (NM_001195306.2); c.-7del (NM_001243783.3); c.38-1064del (NM_001195307.2); short protein forms L73fs, S21fs.
Identifiers: ClinVar variation 4994899 (VCV004994899.1).